The following is an entry in ClinVar:

ClinVar aggregate classification (germline): Pathogenic (1 of 4 stars; one submission).

Submission:

Labcorp Genetics (formerly Invitae), Labcorp
Classification: Pathogenic. Last evaluated: 2024-06-26. Review status: criteria provided, single submitter. Criteria: Invitae Variant Classification Sherloc (09022015). Collection method: clinical testing. Allele origin: germline.
Comment: This sequence change creates a premature translational stop signal (p.Pro917Glnfs*24) in the PIK3C2A gene. It is expected to result in an absent or disrupted protein product. Loss-of-function variants in PIK3C2A are known to be pathogenic (PMID: 31034465). This variant is not present in population databases (gnomAD no frequency). This variant has not been reported in the literature in individuals affected with PIK3C2A-related conditions. For these reasons, this variant has been classified as Pathogenic.

Literature cited by the submitters: PubMed 31034465.

NM_002645.4(PIK3C2A):c.2750del (p.Pro917fs)

Gene: PIK3C2A (phosphatidylinositol-4-phosphate 3-kinase catalytic subunit type 2 alpha; minus strand). Cytogenetic location: 11p15.1.
Variant type: Deletion.
Coding change: c.2750del on transcript NM_002645.4 (MANE Select); coding-DNA position 2750, one base deleted (C; older notation c.2750delC).
Protein change: p.Pro917fs; shifts the reading frame from proline 917.
Molecular consequence: frameshift variant.
Genome position (GRCh38, 1-based): chr11:17,119,882, G deleted on the plus strand (C on the coding strand, the reverse complement: PIK3C2A is on the minus strand); the first of 4 consecutive G bases (chr11:17,119,882-17,119,885); deleting any one gives the same sequence. VCF-style (leftmost placement, unchanged base first): chr11-17119881-TG-T. GRCh37 (hg19) VCF-style: chr11-17141428-TG-T.
Other names: c.2750del, p.Pro917fs (NM_001321378.2); c.1610del, p.Pro537fs (NM_001321380.2); c.2582del, p.Pro861fs (NM_001386870.1); short protein forms P861fs, P537fs, P917fs.
Identifiers: ClinVar variation 3657159 (VCV003657159.2).